The following is an entry in ClinVar:

NM_004364.5(CEBPA):c.640G>A (p.Gly214Ser)

Gene: CEBPA (CCAAT enhancer binding protein alpha; minus strand). Cytogenetic location: 19q13.11.
Variant type: single nucleotide variant.
Coding change: c.640G>A on transcript NM_004364.5 (MANE Select); coding-DNA position 640, G replaced by A.
Protein change: p.Gly214Ser; replaces glycine 214 with serine.
Molecular consequence: missense variant.
Genome position (GRCh38, 1-based): chr19:33,301,775, C>T on the plus strand (G>A on the coding strand, the complement: CEBPA is on the minus strand). VCF-style: chr19-33301775-C-T. GRCh37 (hg19) VCF-style: chr19-33792681-C-T.
Other names: c.283G>A, p.Gly95Ser (NM_001285829.2); c.745G>A, p.Gly249Ser (NM_001287424.2); c.598G>A, p.Gly200Ser (NM_001287435.2); short protein forms G95S, G200S, G214S, G249S.
Identifiers: ClinVar variation 2721728 (VCV002721728.3), dbSNP rs2513329870, ClinGen allele CA405274518.

ClinVar aggregate classification (germline): Uncertain significance (1 of 4 stars; one submission).

Conditions:
Acute myeloid leukemia (AML). Also called: Acute myeloid leukemia, adult; AML adult; Acute non-lymphocytic leukemia; Acute granulocytic leukemia; Leukemia, acute myeloid, somatic; Leukemia, acute myelogenous, somatic. Identifiers: Orphanet 519, MedGen C0023467, MeSH D015470, MONDO:0018874, OMIM 601626, HP:0004808. Disease mechanism: Constitutively activated FLT3.

Submission:

Labcorp Genetics (formerly Invitae), Labcorp
Classification: Uncertain significance for Acute myeloid leukemia. Last evaluated: 2023-03-20. Review status: criteria provided, single submitter. Criteria: Invitae Variant Classification Sherloc (09022015). Collection method: clinical testing. Allele origin: germline.
Comment: This variant has not been reported in the literature in individuals affected with CEBPA-related conditions. The frequency data for this variant in the population databases is considered unreliable, as metrics indicate insufficient coverage at this position in the gnomAD database. This sequence change replaces glycine, which is neutral and non-polar, with serine, which is neutral and polar, at codon 214 of the CEBPA protein (p.Gly214Ser). Advanced modeling of protein sequence and biophysical properties (such as structural, functional, and spatial information, amino acid conservation, physicochemical variation, residue mobility, and thermodynamic stability) performed at Invitae indicates that this missense variant is not expected to disrupt CEBPA protein function. In summary, the available evidence is currently insufficient to determine the role of this variant in disease. Therefore, it has been classified as a Variant of Uncertain Significance.